The following is an entry in ClinVar:

NM_016312.3(WBP11):c.1396C>T (p.Arg466Ter)

Gene: WBP11 (WW domain binding protein 11; minus strand). Cytogenetic location: 12p12.3.
Variant type: single nucleotide variant.
Coding change: c.1396C>T on transcript NM_016312.3 (MANE Select); coding-DNA position 1396, C replaced by T.
Protein change: p.Arg466Ter; replaces arginine 466 with a stop codon.
Molecular consequence: nonsense.
Genome position (GRCh38, 1-based): chr12:14,789,047, G>A on the plus strand (C>T on the coding strand, the complement: WBP11 is on the minus strand). VCF-style: chr12-14789047-G-A. GRCh37 (hg19) VCF-style: chr12-14941981-G-A.
Other names: short protein forms R466*.
Identifiers: ClinVar variation 3027289 (VCV003027289.22), dbSNP rs1949790049, ClinGen allele CA384009406.

ClinVar aggregate classification (germline): Uncertain significance (1 of 4 stars; one submission).

Allele frequency attached by ClinVar (database versions not stated): TOPMed below 0.00001.

Submission:

CeGaT Center for Human Genetics Tuebingen
Classification: Uncertain significance. Last evaluated: 2024-02-01. Review status: criteria provided, single submitter. Criteria: CeGaT Center For Human Genetics Tuebingen Variant Classification Criteria Version 2. Collection method: clinical testing. Allele origin: germline. Affected: yes. Observed: 2 variant alleles.
Comment: WBP11: PVS1:Strong, PM2:Supporting